The following is an entry in ClinVar:

ClinVar aggregate classification (germline): Pathogenic. Review status: criteria provided, multiple submitters, no conflicts (2 of 4 stars). 4 submissions from 4 submitters: Pathogenic (2). 2 of the submissions do not count toward it. Last evaluated 2024-02-05.

Conditions:
Congenital myasthenic syndrome 11. Also called: MYASTHENIC SYNDROME, CONGENITAL, Ie; Myasthenic syndrome, congenital, 11, associated with acetylcholine receptor deficiency. Identifiers: Orphanet 590, MedGen C4225367, MONDO:0014588, OMIM 616326.
Fetal akinesia deformation sequence 2. Identifiers: MedGen C4760576, MONDO:0100102, OMIM 618388.
Congenital myasthenic syndrome (CMS). Also called: Congenital Myasthenic Syndromes. Identifiers: Orphanet 590, MedGen C0751882, MeSH D020294, MONDO:0018940.

Submissions (4):

Fulgent Genetics
Classification: Pathogenic for Congenital myasthenic syndrome 11; Fetal akinesia deformation sequence 2. Last evaluated: 2024-02-05. Review status: criteria provided, single submitter. Criteria: ACMG Guidelines, 2015. Collection method: clinical testing. Allele origin: germline.

GeneDx
Classification: Pathogenic. Last evaluated: 2016-04-15. Review status: criteria provided, single submitter. Criteria: GeneDx Variant Classification (06012015). Collection method: clinical testing. Allele origin: germline. Affected: yes.
Comment: The c.1083_1084dupCT pathogenic variant has been reported in multiple unrelated individuals with congenital myasthenia syndromes and in each report was observed in the heterozygous state along with the N88K pathogenic variant (Richard et al., 2003; Ioos et al., 2004; Das et al., 2014). This variant causes a frameshift starting with codon Tyrosine 362, changes this amino acid to a Serine residue and creates a premature Stop codon at position 10 of the new reading frame, denoted p.Tyr362SerfsX10. This variant is predicted to cause loss of normal protein function through protein truncation. The c.1083_1084dupCT variant was not observed in approximately 6,500 individuals of European and African American ancestry in the NHLBI Exome Sequencing Project, indicating it is not a common benign variant in these populations. We interpret c.1083_1084dupCT as a pathogenic variant.

Natera, Inc.
Classification: Pathogenic for Congenital myasthenic syndrome. Last evaluated: 2021-05-14. Review status: no assertion criteria provided. Collection method: clinical testing. Allele origin: germline. Not counted in ClinVar's aggregate classification.

OMIM
Classification: Pathogenic for MYASTHENIC SYNDROME, CONGENITAL, 11, ASSOCIATED WITH ACETYLCHOLINE RECEPTOR DEFICIENCY. Last evaluated: 2014-11-01. Review status: no assertion criteria provided. Collection method: literature only. Allele origin: germline. Not counted in ClinVar's aggregate classification.

Literature cited by the submitters: PubMed 25194721 (cited by OMIM).

NM_005055.5(RAPSN):c.1083_1084dup (p.Tyr362fs)

Gene: RAPSN (receptor associated protein of the synapse; minus strand). Cytogenetic location: 11p11.2.
Variant type: Microsatellite.
Coding change: c.1083_1084dup on transcript NM_005055.5 (MANE Select); coding-DNA positions 1083 to 1084, 2 bases duplicated (CT; older notation c.1083_1084dupCT).
Protein change: p.Tyr362fs; shifts the reading frame from tyrosine 362.
Molecular consequence: frameshift variant.
Genome position (GRCh38, 1-based): chr11:47,438,814-47,438,815, AG duplicated on the plus strand (CT on the coding strand, the reverse complement: RAPSN is on the minus strand); duplicating any 2 consecutive bases within chr11:47,438,814-47,438,817 gives the same sequence; the c. name uses the placement nearest the transcript's 3' end. VCF-style (leftmost placement, unchanged base first): chr11-47438813-T-TAG. GRCh37 (hg19) VCF-style: chr11-47460364-T-TAG.
Other names: c.906_907dup, p.Tyr303fs (NM_032645.5); short protein forms Y362fs, Y303fs.
Identifiers: ClinVar variation 190252 (VCV000190252.3), dbSNP rs786205885, ClinGen allele CA199651.